The following is an entry in ClinVar:

ClinVar aggregate classification (germline): Uncertain significance. Review status: criteria provided, multiple submitters, no conflicts (2 of 4 stars). 3 submissions from 3 submitters: Uncertain significance (3). Last evaluated 2022-06-27.

Conditions:
Inborn genetic diseases. Identifiers: MedGen C0950123, MeSH D030342.
Cortical dysplasia-focal epilepsy syndrome (PTHSL1). Also called: Pitt-Hopkins-like syndrome 1. Identifiers: Orphanet 163681, Orphanet 221150, MedGen C2750246, MONDO:0012400, OMIM 610042.

Allele frequency attached by ClinVar (database versions not stated): gnomAD 0.00004 and 0.00005; gnomAD exomes 0.00004 and 0.00007; ExAC 0.00006; TOPMed 0.00006; ESP Exome Variant Server 0.00015; 1000 Genomes Project 30x 0.00016; 1000 Genomes Project 0.00020.
gnomAD v4.1: 108 of 1,614,124 alleles (0.0067%); highest among the groups gnomAD compares: African/African-American, 0.0093%; no homozygotes.

Submissions (3):

Labcorp Genetics (formerly Invitae), Labcorp
Classification: Uncertain significance for Cortical dysplasia-focal epilepsy syndrome. Last evaluated: 2022-06-27. Review status: criteria provided, single submitter. Criteria: Invitae Variant Classification Sherloc (09022015). Collection method: clinical testing. Allele origin: germline.
Comment: This sequence change replaces arginine, which is basic and polar, with glutamine, which is neutral and polar, at codon 92 of the CNTNAP2 protein (p.Arg92Gln). This variant is present in population databases (rs138924087, gnomAD 0.02%). This variant has not been reported in the literature in individuals affected with CNTNAP2-related conditions. ClinVar contains an entry for this variant (Variation ID: 205300). Algorithms developed to predict the effect of missense changes on protein structure and function are either unavailable or do not agree on the potential impact of this missense change (SIFT: "Deleterious"; PolyPhen-2: "Probably Damaging"; Align-GVGD: "Class C0"). Algorithms developed to predict the effect of sequence changes on RNA splicing suggest that this variant may create or strengthen a splice site. In summary, the available evidence is currently insufficient to determine the role of this variant in disease. Therefore, it has been classified as a Variant of Uncertain Significance.

Ambry Genetics
Classification: Uncertain significance for Inborn genetic diseases. Last evaluated: 2021-07-29. Review status: criteria provided, single submitter. Criteria: Ambry Variant Classification Scheme 2023. Collection method: clinical testing. Allele origin: germline.

GeneDx
Classification: Uncertain significance. Last evaluated: 2020-03-10. Review status: criteria provided, single submitter. Criteria: GeneDx Variant Classification Process June 2021. Collection method: clinical testing. Allele origin: germline. Affected: yes.
Comment: Reported in a single control individual in a study regarding the association of CNTNAP2 variants and autism (Murdoch et al., 2015).; In silico analysis, which includes protein predictors and evolutionary conservation, supports a deleterious effect; This variant is associated with the following publications: (PMID: 25621974)

NM_014141.6(CNTNAP2):c.275G>A (p.Arg92Gln)

Gene: CNTNAP2 (contactin associated protein 2; plus strand). Cytogenetic location: 7q35.
Variant type: single nucleotide variant.
Coding change: c.275G>A on transcript NM_014141.6 (MANE Select); coding-DNA position 275, G replaced by A.
Protein change: p.Arg92Gln; replaces arginine 92 with glutamine.
Molecular consequence: missense variant.
Genome position (GRCh38, 1-based): chr7:146,839,777, G>A. VCF-style: chr7-146839777-G-A. GRCh37 (hg19) VCF-style: chr7-146536869-G-A.
Other names: p.R92Q:CGG>CAG; short protein forms R92Q.
Identifiers: ClinVar variation 205300 (VCV000205300.9), dbSNP rs138924087, ClinGen allele CA314234.